The following is an entry in ClinVar:

ClinVar aggregate classification (germline): Benign. Review status: criteria provided, multiple submitters, no conflicts (2 of 4 stars). 12 submissions from 12 submitters: Benign (8). 4 of the submissions do not count toward it. Last evaluated 2026-02-04.

Conditions:
Galactosylceramide beta-galactosidase deficiency. Also called: GALACTOCEREBROSIDASE DEFICIENCY; GALC DEFICIENCY; Leukodystrophy, Globoid Cell; Krabbe Disease; GLOBOID CELL LEUKOENCEPHALOPATHY. Identifiers: Orphanet 487, MedGen C0023521, MONDO:0009499, OMIM 245200.

Allele frequency attached by ClinVar (database versions not stated): ESP Exome Variant Server 0.43122; gnomAD 0.45011 and 0.45972; TOPMed 0.45644; 1000 Genomes Project 30x 0.48392; 1000 Genomes Project 0.48882; gnomAD exomes 0.52888 and 0.55071; ExAC 0.54129.
gnomAD v4.1: 781,899 of 1,498,288 alleles (52%); highest among the groups gnomAD compares: East Asian, 76%; 210,020 homozygotes.

Submissions (12):

Labcorp Genetics (formerly Invitae), Labcorp
Classification: Benign for Galactosylceramide beta-galactosidase deficiency. Last evaluated: 2026-02-04. Review status: criteria provided, single submitter. Criteria: Invitae Variant Classification Sherloc (09022015). Collection method: clinical testing. Allele origin: germline.

Blueprint Genetics
Classification: Benign. Last evaluated: 2024-11-27. Review status: criteria provided, single submitter. Criteria: ACMG Guidelines, 2015. Collection method: clinical testing. Allele origin: germline.

Genome-Nilou Lab
Classification: Benign for Galactosylceramide beta-galactosidase deficiency. Last evaluated: 2021-06-10. Review status: criteria provided, single submitter. Criteria: ACMG Guidelines, 2015. Collection method: clinical testing. Allele origin: germline. Affected: no.

Illumina Laboratory Services, Illumina
Classification: Benign for Galactosylceramide beta-galactosidase deficiency. Last evaluated: 2018-01-13. Review status: criteria provided, single submitter. Criteria: ICSL Variant Classification Criteria 13 December 2019. Collection method: clinical testing. Allele origin: germline.
Comment: This variant was observed in the ICSL laboratory as part of a predisposition screen in an ostensibly healthy population. It had not been previously curated by ICSL or reported in the Human Gene Mutation Database (HGMD: prior to June 1st, 2018), and was therefore a candidate for classification through an automated scoring system. Utilizing variant allele frequency, disease prevalence and penetrance estimates, and inheritance mode, an automated score was calculated to assess if this variant is too frequent to cause the disease. Based on the score and internal cut-off values, a variant classified as benign is not then subjected to further curation. The score for this variant resulted in a classification of benign for this disease.

GeneDx
Classification: Benign. Last evaluated: 2015-03-03. Review status: criteria provided, single submitter. Criteria: GeneDx Variant Classification Process June 2021. Collection method: clinical testing. Allele origin: germline. Affected: yes.

Eurofins Ntd Llc (ga)
Classification: Benign. Last evaluated: 2013-04-03. Review status: criteria provided, single submitter. Criteria: EGL Classification Definitions 2015. Collection method: clinical testing. Allele origin: germline. Observed: 82 variant alleles, 43 heterozygotes, 37 homozygotes, 2 hemizygotes.

Breakthrough Genomics
Classification: Benign. Review status: criteria provided, single submitter. Criteria: ACMG Guidelines, 2015. Collection method: not provided. Allele origin: germline. Inheritance: Autosomal recessive inheritance. Affected: yes.

PreventionGenetics, part of Exact Sciences
Classification: Benign. Review status: criteria provided, single submitter. Criteria: ACMG Guidelines, 2015. Collection method: clinical testing. Allele origin: germline.

Mayo Clinic Laboratories, Mayo Clinic
Classification: Benign. Last evaluated: 2015-10-19. Review status: no assertion criteria provided. Collection method: clinical testing. Allele origin: unknown. Not counted in ClinVar's aggregate classification.

Clinical Genetics DNA and cytogenetics Diagnostics Lab, Erasmus MC, Erasmus Medical Center
Classification: Benign. Review status: no assertion criteria provided. Collection method: clinical testing. Allele origin: germline. Affected: yes. Study: VKGL Data-share Consensus. Not counted in ClinVar's aggregate classification.

Clinical Genetics, Academic Medical Center
Classification: Benign. Review status: no assertion criteria provided. Collection method: clinical testing. Allele origin: germline. Affected: yes. Study: VKGL Data-share Consensus. Not counted in ClinVar's aggregate classification.

Diagnostic Laboratory, Department of Genetics, University Medical Center Groningen
Classification: Benign for Galactosylceramide beta-galactosidase deficiency. Review status: no assertion criteria provided. Collection method: clinical testing. Allele origin: germline. Affected: yes. Study: VKGL Data-share Consensus. Not counted in ClinVar's aggregate classification.

NM_000153.4(GALC):c.1671-15C>T

Gene: GALC (galactosylceramidase; minus strand). Cytogenetic location: 14q31.3.
Variant type: single nucleotide variant.
Coding change: c.1671-15C>T on transcript NM_000153.4 (MANE Select); 15 bases into the intron before coding-DNA position 1671, C replaced by T.
Molecular consequence: intron variant.
Genome position (GRCh38, 1-based): chr14:87,941,573, G>A on the plus strand (C>T on the coding strand, the complement: GALC is on the minus strand). VCF-style: chr14-87941573-G-A. GRCh37 (hg19) VCF-style: chr14-88407917-G-A.
Other names: c.1593-15C>T (NM_001201402.2); c.1602-15C>T (NM_001201401.2).
Identifiers: ClinVar variation 92496 (VCV000092496.26), dbSNP rs12432149, ClinGen allele CA145804.